The following is an entry in ClinVar:

ClinVar aggregate classification (germline): Conflicting classifications of pathogenicity. Review status: criteria provided, conflicting classifications (1 of 4 stars). 5 submissions from 5 submitters: Uncertain significance (1); Benign (1); Likely benign (3). Last evaluated 2026-01-19.

Conditions:
Epidermolysis bullosa simplex 5C, with pyloric atresia (EBS5C). Also called: PLEC-Related Epidermolysis Bullosa with Pyloric Atresia; Epidermolysis bullosa simplex with pyloric atresia; PLEC1-Related Epidermolysis Bullosa with Pyloric Atresia. Identifiers: Orphanet 158684, MedGen C2677349, MONDO:0012807, OMIM 612138.
Epidermolysis bullosa simplex 5B, with muscular dystrophy (EBS5B). Also called: EPIDERMOLYSIS BULLOSA SIMPLEX AND LIMB-GIRDLE MUSCULAR DYSTROPHY; Epidermolysis bullosa simplex with muscular dystrophy. Identifiers: Orphanet 257, MedGen C2931072, MONDO:0009181, OMIM 226670.
Autosomal recessive limb-girdle muscular dystrophy type 2Q (LGMDR17). Also called: MUSCULAR DYSTROPHY, LIMB-GIRDLE, AUTOSOMAL RECESSIVE 17. Identifiers: Orphanet 254361, MedGen C3150989, MONDO:0013390, OMIM 613723.
Epidermolysis bullosa simplex with nail dystrophy (EBS5D). Identifiers: MedGen C4225309, MONDO:0014661, OMIM 616487.
Epidermolysis bullosa simplex, Ogna type (EBS5A). Also called: Pidermolysis bullosa simplex 5A, Ogna type; EPIDERMOLYSIS BULLOSA SIMPLEX 5A, OGNA TYPE. Identifiers: Orphanet 79401, MedGen C0432317, MONDO:0007555, OMIM 131950.

Allele frequency attached by ClinVar (database versions not stated): TOPMed 0.00020; gnomAD 0.00022 and 0.00024; gnomAD exomes 0.00034; ESP Exome Variant Server 0.00040; ExAC 0.00044; 1000 Genomes Project 30x 0.00047; 1000 Genomes Project 0.00060.
gnomAD v4.1: 468 of 1,597,234 alleles (0.029%); highest among the groups gnomAD compares: Admixed American, 0.067%; no homozygotes.

Submissions (5):

Labcorp Genetics (formerly Invitae), Labcorp
Classification: Likely benign for Autosomal recessive limb-girdle muscular dystrophy type 2Q; Epidermolysis bullosa simplex, Ogna type; Epidermolysis bullosa simplex with nail dystrophy; Epidermolysis bullosa simplex 5C, with pyloric atresia; Epidermolysis bullosa simplex 5B, with muscular dystrophy. Last evaluated: 2026-01-19. Review status: criteria provided, single submitter. Criteria: Invitae Variant Classification Sherloc (09022015). Collection method: clinical testing. Allele origin: germline.

Blueprint Genetics
Classification: Likely benign. Last evaluated: 2024-09-10. Review status: criteria provided, single submitter. Criteria: ACMG Guidelines, 2015. Collection method: clinical testing. Allele origin: germline.

Athena Diagnostics
Classification: Benign. Last evaluated: 2024-02-08. Review status: criteria provided, single submitter. Criteria: Athena Diagnostics Criteria. Collection method: clinical testing. Allele origin: unknown.

CeGaT Center for Human Genetics Tuebingen
Classification: Likely benign. Last evaluated: 2022-06-01. Review status: criteria provided, single submitter. Criteria: CeGaT Center For Human Genetics Tuebingen Variant Classification Criteria Version 2. Collection method: clinical testing. Allele origin: germline. Affected: yes. Observed: 1 variant allele.
Comment: PLEC: BP4, BP7

Eurofins Ntd Llc (ga)
Classification: Uncertain significance. Last evaluated: 2018-09-12. Review status: criteria provided, single submitter. Criteria: EGL ClinVar v180209 classification definitions. Collection method: clinical testing. Allele origin: germline. Observed: 5 variant alleles, 5 heterozygotes.

NM_201384.3(PLEC):c.2268C>T (p.Thr756=)

Gene: PLEC (plectin; minus strand). Cytogenetic location: 8q24.3.
Variant type: single nucleotide variant.
Coding change: c.2268C>T on transcript NM_201384.3 (MANE Select); coding-DNA position 2268, C replaced by T.
Protein change: p.Thr756=; no amino-acid change (threonine 756 retained).
Molecular consequence: synonymous variant.
Genome position (GRCh38, 1-based): chr8:143,931,570, G>A on the plus strand (C>T on the coding strand, the complement: PLEC is on the minus strand). VCF-style: chr8-143931570-G-A. GRCh37 (hg19) VCF-style: chr8-145005738-G-A.
Other names: c.2349C>T, p.Thr783= (NM_000445.5); c.2226C>T, p.Thr742= (NM_201378.4); c.2202C>T, p.Thr734= (NM_201379.3); c.2679C>T, p.Thr893= (NM_201380.4); c.2172C>T, p.Thr724= (NM_201381.3); c.2268C>T, p.Thr756= (NM_201382.4); c.2280C>T, p.Thr760= (NM_201383.3).
Identifiers: ClinVar variation 496986 (VCV000496986.42), dbSNP rs371267446, ClinGen allele CA4927598.
Genomic context (GRCh38, chr8:143,931,570, plus strand): 5'-GCCCCTGCACACCCCCTCCCTCACCTGGGCATCCTGCAGCAGGTCCTCCAGCCGGGTGAC[G>A]GTGGCGGAGCGATCACAACTGTATTTCCTACGCAGTGCCTCCTGCAGCTTCTGCAACTGC-3'
Protein context (NP_958786.1, residues 746-766): RRKYSCDRSA[Thr756=]VTRLEDLLQD